The following is an entry in ClinVar:

ClinVar aggregate classification (germline): Uncertain significance (1 of 4 stars; one submission).

Conditions:
LAMA2-related muscular dystrophy (LAMA2-RD). Also called: Laminin alpha 2-related dystrophy. Identifiers: MedGen C5679788, MONDO:0100228.

Allele frequency attached by ClinVar (database versions not stated): gnomAD 0.00003.
gnomAD v4.1: 6 of 1,613,690 alleles (0.00037%); highest among the groups gnomAD compares: Non-Finnish European, 0.00051%; no homozygotes.

Submission:

Labcorp Genetics (formerly Invitae), Labcorp
Classification: Uncertain significance for LAMA2-related muscular dystrophy. Last evaluated: 2021-09-01. Review status: criteria provided, single submitter. Criteria: Invitae Variant Classification Sherloc (09022015). Collection method: clinical testing. Allele origin: germline.
Comment: This sequence change replaces alanine with valine at codon 1942 of the LAMA2 protein (p.Ala1942Val). The alanine residue is moderately conserved and there is a small physicochemical difference between alanine and valine. This variant is not present in population databases (ExAC no frequency). This variant has not been reported in the literature in individuals affected with LAMA2-related conditions. Algorithms developed to predict the effect of missense changes on protein structure and function are either unavailable or do not agree on the potential impact of this missense change (SIFT: "Tolerated"; PolyPhen-2: "Possibly Damaging"; Align-GVGD: "Class C0"). In summary, the available evidence is currently insufficient to determine the role of this variant in disease. Therefore, it has been classified as a Variant of Uncertain Significance.

NM_000426.4(LAMA2):c.5825C>T (p.Ala1942Val)

Gene: LAMA2 (laminin subunit alpha 2; plus strand). Cytogenetic location: 6q22.33.
Variant type: single nucleotide variant.
Coding change: c.5825C>T on transcript NM_000426.4 (MANE Select); coding-DNA position 5825, C replaced by T.
Protein change: p.Ala1942Val; replaces alanine 1942 with valine.
Molecular consequence: missense variant.
Genome position (GRCh38, 1-based): chr6:129,403,919, C>T. VCF-style: chr6-129403919-C-T. GRCh37 (hg19) VCF-style: chr6-129725064-C-T.
Other names: c.5825C>T, p.Ala1942Val (NM_001079823.2); short protein forms A1942V.
Identifiers: ClinVar variation 639837 (VCV000639837.8), dbSNP rs144318893, ClinGen allele CA365617371.